The following is an entry in ClinVar:

ClinVar aggregate classification (germline): Pathogenic/Likely pathogenic. Review status: criteria provided, multiple submitters, no conflicts (2 of 4 stars). 2 submissions from 2 submitters: Pathogenic (1); Likely pathogenic (1). Last evaluated 2022-08-31.

Conditions:
ACP5-related disorder. Also called: ACP5-related condition.
Spondyloenchondrodysplasia with immune dysregulation (SPENCDI). Also called: SPONDYLOENCHONDRODYSPLASIA WITH OR WITHOUT IMMUNE DYSREGULATION; ROIFMAN IMMUNOSKELETAL SYNDROME; COMBINED IMMUNODEFICIENCY WITH AUTOIMMUNITY AND SPONDYLOMETAPHYSEAL DYSPLASIA. Identifiers: Orphanet 1855, MedGen C1842763, MONDO:0011939, OMIM 607944.

Allele frequency attached by ClinVar (database versions not stated): gnomAD exomes below 0.00001; TOPMed 0.00001.

Submissions (2):

Labcorp Genetics (formerly Invitae), Labcorp
Classification: Pathogenic for Spondyloenchondrodysplasia with immune dysregulation. Last evaluated: 2022-08-31. Review status: criteria provided, single submitter. Criteria: Invitae Variant Classification Sherloc (09022015). Collection method: clinical testing. Allele origin: germline.
Comment: This sequence change creates a premature translational stop signal (p.Tyr74*) in the ACP5 gene. It is expected to result in an absent or disrupted protein product. Loss-of-function variants in ACP5 are known to be pathogenic (PMID: 21217752, 21217755). This variant is not present in population databases (gnomAD no frequency). This premature translational stop signal has been observed in individual(s) with clinical features of spondyloenchondrodysplasia with immune dysregulation (PMID: 21217752). ClinVar contains an entry for this variant (Variation ID: 1403982). For these reasons, this variant has been classified as Pathogenic.

Blueprint Genetics
Classification: Likely pathogenic for ACP5-related disorders. Last evaluated: 2020-12-21. Review status: criteria provided, single submitter. Criteria: ACMG Guidelines, 2015. Collection method: clinical testing. Allele origin: germline. Affected: yes. Observed: 1 variant allele.

Literature cited by the submitters: PubMed 21217752 (cited by Labcorp Genetics (formerly Invitae), Labcorp); PubMed 21217755 (cited by Labcorp Genetics (formerly Invitae), Labcorp).

NM_001611.5(ACP5):c.222C>A (p.Tyr74Ter)

Gene: ACP5 (acid phosphatase 5, tartrate resistant; minus strand). Cytogenetic location: 19p13.2.
Variant type: single nucleotide variant.
Coding change: c.222C>A on transcript NM_001611.5 (MANE Select); coding-DNA position 222, C replaced by A.
Protein change: p.Tyr74Ter; replaces tyrosine 74 with a stop codon.
Molecular consequence: nonsense.
Genome position (GRCh38, 1-based): chr19:11,577,096, G>T on the plus strand (C>A on the coding strand, the complement: ACP5 is on the minus strand). VCF-style: chr19-11577096-G-T. GRCh37 (hg19) VCF-style: chr19-11687911-G-T.
Other names: c.222C>A, p.Tyr74Ter (NM_001111034.3, NM_001111035.3, NM_001111036.3 and 1 more transcripts); short protein forms Y74*.
Identifiers: ClinVar variation 1403982 (VCV001403982.9), dbSNP rs965741395, ClinGen allele CA305359400.